The following is an entry in ClinVar:

NM_014714.4(IFT140):c.1641T>G (p.Asp547Glu)

Gene: IFT140 (intraflagellar transport 140; minus strand). Cytogenetic location: 16p13.3.
Variant type: single nucleotide variant.
Coding change: c.1641T>G on transcript NM_014714.4 (MANE Select); coding-DNA position 1641, T replaced by G.
Protein change: p.Asp547Glu; replaces aspartic acid 547 with glutamic acid.
Molecular consequence: missense variant.
Genome position (GRCh38, 1-based): chr16:1,571,418, A>C on the plus strand (T>G on the coding strand, the complement: IFT140 is on the minus strand). VCF-style: chr16-1571418-A-C. GRCh37 (hg19) VCF-style: chr16-1621419-A-C.
Other names: short protein forms D547E.
Identifiers: ClinVar variation 2414726 (VCV002414726.2), dbSNP rs2507420532, ClinGen allele CA394208923.

ClinVar aggregate classification (germline): Uncertain significance (1 of 4 stars; one submission).

Conditions:
Saldino-Mainzer syndrome (SRTD9). Also called: CONORENAL SYNDROME; Renal dysplasia, retinal pigmentary dystrophy, cerebellar ataxia and skeletal dysplasia; SHORT-RIB THORACIC DYSPLASIA 9 WITHOUT POLYDACTYLY; short-rib thoracic dysplasia 9 with or without polydactyly. Identifiers: Orphanet 140969, MedGen C1849437, MONDO:0009964, OMIM 266920.

Allele frequency attached by ClinVar (database versions not stated): gnomAD exomes below 0.00001.
gnomAD v4.1: 3 of 1,612,318 alleles (0.00019%); highest among the groups gnomAD compares: South Asian, 0.0022%; no homozygotes.

Submission:

Labcorp Genetics (formerly Invitae), Labcorp
Classification: Uncertain significance for Saldino-Mainzer syndrome. Last evaluated: 2022-05-31. Review status: criteria provided, single submitter. Criteria: Invitae Variant Classification Sherloc (09022015). Collection method: clinical testing. Allele origin: germline.
Comment: In summary, the available evidence is currently insufficient to determine the role of this variant in disease. Therefore, it has been classified as a Variant of Uncertain Significance. This sequence change replaces aspartic acid, which is acidic and polar, with glutamic acid, which is acidic and polar, at codon 547 of the IFT140 protein (p.Asp547Glu). This variant is not present in population databases (gnomAD no frequency). This variant has not been reported in the literature in individuals affected with IFT140-related conditions. Algorithms developed to predict the effect of missense changes on protein structure and function are either unavailable or do not agree on the potential impact of this missense change (SIFT: "Deleterious"; PolyPhen-2: "Benign"; Align-GVGD: "Class C0").